The following is an entry in ClinVar:

ClinVar aggregate classification (germline): Conflicting classifications of pathogenicity. Review status: criteria provided, conflicting classifications (1 of 4 stars). 2 submissions from 2 submitters: Uncertain significance (1); Likely benign (1). Last evaluated 2026-01-21.

Conditions:
Familial sleep-related hypermotor epilepsy. Also called: Autosomal Dominant Sleep-Related Hypermotor (Hyperkinetic) Epilepsy. Identifiers: Orphanet 98784, MedGen C3696898, MONDO:0000030.
Inborn genetic diseases. Identifiers: MedGen C0950123, MeSH D030342.

gnomAD v4.1: 1 of 1,614,248 alleles (0.000062%); no homozygotes.

Submissions (2):

Labcorp Genetics (formerly Invitae), Labcorp
Classification: Likely benign. Last evaluated: 2026-01-21. Review status: criteria provided, single submitter. Criteria: Invitae Variant Classification Sherloc (09022015). Collection method: clinical testing. Allele origin: germline.

Ambry Genetics
Classification: Uncertain significance for Inborn genetic diseases. Last evaluated: 2022-05-11. Review status: criteria provided, single submitter. Criteria: Ambry Variant Classification Scheme 2023. Collection method: clinical testing. Allele origin: germline.
Comment: The p.H172Q variant (also known as c.516C>A), located in coding exon 5 of the CHRNA2 gene, results from a C to A substitution at nucleotide position 516. The histidine at codon 172 is replaced by glutamine, an amino acid with highly similar properties. This variant was identified in one neonate with severe seizures and brain malformation (Yang L et al. Genet Med, 2019 03;21:564-571). This amino acid position is not well conserved in available vertebrate species. In addition, this alteration is predicted to be tolerated by in silico analysis. Since supporting evidence is limited at this time, the clinical significance of this alteration remains unclear.

Literature cited by the submitters: PubMed 29930392 (cited by Ambry Genetics).

NM_000742.4(CHRNA2):c.516C>A (p.His172Gln)

Gene: CHRNA2 (cholinergic receptor nicotinic alpha 2 subunit; minus strand). Cytogenetic location: 8p21.2.
Variant type: single nucleotide variant.
Coding change: c.516C>A on transcript NM_000742.4 (MANE Select); coding-DNA position 516, C replaced by A.
Protein change: p.His172Gln; replaces histidine 172 with glutamine.
Molecular consequence: missense variant. On other transcripts: intron variant (2).
Genome position (GRCh38, 1-based): chr8:27,463,927, G>T on the plus strand (C>A on the coding strand, the complement: CHRNA2 is on the minus strand). VCF-style: chr8-27463927-G-T. GRCh37 (hg19) VCF-style: chr8-27321444-G-T.
Other names: c.471C>A, p.His157Gln (NM_001282455.2); c.39C>A, p.His13Gln (NM_001347705.2, NM_001347706.2); c.-12-67C>A (NM_001347708.2); c.-9-70C>A (NM_001347707.2); short protein forms H172Q, H157Q, H13Q.
Identifiers: ClinVar variation 588445 (VCV000588445.10), dbSNP rs1563319114, ClinGen allele CA370811436.
Genomic context (GRCh38, chr8:27,463,927, plus strand): 5'-GAAGGGGAAGAAGGTGACGTCGATGCTGCAGGAGCTCTTGTAGATGGCCGGGGGCACCCA[G>T]TGCACAGTGCCCGTGGAGAAGAGGTGGGCCTTGGTCATGTGGGTCACTGCAAACTCCCCA-3'
Protein context (NP_000733.2, residues 162-182): KAHLFSTGTV[His172Gln]WVPPAIYKSS